The following is an entry in ClinVar:

ClinVar aggregate classification (germline): Benign/Likely benign. Review status: criteria provided, multiple submitters, no conflicts (2 of 4 stars). 4 submissions from 4 submitters: Benign (1); Likely benign (3). Last evaluated 2024-12-16.

Conditions:
Hereditary nonpolyposis colorectal neoplasms. Identifiers: MedGen C0009405, MeSH D003123.
Lynch syndrome 5 (LYNCH5). Also called: Colorectal cancer, hereditary nonpolyposis, type 5; Hereditary non-polyposis colorectal cancer, type 5. Identifiers: Orphanet 144, MedGen C1833477, MONDO:0013710, OMIM 614350. Disease mechanism: loss of function.
Hereditary cancer-predisposing syndrome. Also called: Neoplastic Syndromes, Hereditary; Tumor predisposition; Hereditary neoplastic syndrome; Hereditary Cancer Syndrome. Identifiers: Orphanet 140162, MedGen C0027672, MeSH D009386, MONDO:0015356.

Submissions (4):

Myriad Genetics, Inc.
Classification: Benign for Lynch syndrome 5. Last evaluated: 2024-12-16. Review status: criteria provided, single submitter. Criteria: Myriad Autosomal Dominant, Autosomal Recessive and X-Linked Classification Criteria (2023). Collection method: clinical testing. Allele origin: unknown.
Comment: This variant is considered benign. This variant is a silent/synonymous amino acid change and it is not expected to impact splicing.

Labcorp Genetics (formerly Invitae), Labcorp
Classification: Likely benign for Hereditary nonpolyposis colorectal neoplasms. Last evaluated: 2024-02-02. Review status: criteria provided, single submitter. Criteria: Invitae Variant Classification Sherloc (09022015). Collection method: clinical testing. Allele origin: germline.

Color Diagnostics, LLC DBA Color Health
Classification: Likely benign for Hereditary cancer-predisposing syndrome. Last evaluated: 2019-11-01. Review status: criteria provided, single submitter. Criteria: ACMG Guidelines, 2015. Collection method: clinical testing. Allele origin: germline.

Ambry Genetics
Classification: Likely benign for Hereditary cancer-predisposing syndrome. Last evaluated: 2019-08-26. Review status: criteria provided, single submitter. Criteria: Ambry Variant Classification Scheme 2023. Collection method: clinical testing. Allele origin: germline.

NM_000179.3(MSH6):c.45G>A (p.Pro15=)

Gene: MSH6 (mutS homolog 6; plus strand). Cytogenetic location: 2p16.3.
Variant type: single nucleotide variant.
Coding change: c.45G>A on transcript NM_000179.3 (MANE Select); coding-DNA position 45, G replaced by A.
Protein change: p.Pro15=; no amino-acid change (proline 15 retained).
Molecular consequence: synonymous variant. On other transcripts: 5 prime UTR variant (1).
Genome position (GRCh38, 1-based): chr2:47,783,278, G>A. VCF-style: chr2-47783278-G-A. GRCh37 (hg19) VCF-style: chr2-48010417-G-A.
Other names: c.45G>A, p.Pro15= (NM_001281492.2); c.-692G>A (NM_001281493.2).
Identifiers: ClinVar variation 825033 (VCV000825033.10), dbSNP rs1572697821, ClinGen allele CA425986945.
Genomic context (GRCh38, chr2:47,783,278, plus strand): 5'-CTTGCCGGCTGTCGGTATGTCGCGACAGAGCACCCTGTACAGCTTCTTCCCCAAGTCTCC[G>A]GCGCTGAGTGATGCCAACAAGGCCTCGGCCAGGGCCTCACGCGAAGGCGGCCGTGCCGCC-3'
Protein context (NP_000170.1, residues 5-25): STLYSFFPKS[Pro15=]ALSDANKASA